The following is an entry in ClinVar:

ClinVar aggregate classification (germline): Uncertain significance (1 of 4 stars; one submission).

Allele frequency attached by ClinVar (database versions not stated): gnomAD exomes below 0.00001; TOPMed below 0.00001.
gnomAD v4.1: 2 of 1,613,876 alleles (0.00012%); highest among the groups gnomAD compares: Non-Finnish European, 0.00017%; no homozygotes.

Submission:

Ambry Genetics
Classification: Uncertain significance. Last evaluated: 2021-11-30. Review status: criteria provided, single submitter. Criteria: Ambry Variant Classification Scheme 2023. Collection method: clinical testing. Allele origin: germline.
Comment: The p.R823K variant (also known as c.2468G>A), located in coding exon 15 of the POLQ gene, results from a G to A substitution at nucleotide position 2468. The arginine at codon 823 is replaced by lysine, an amino acid with highly similar properties. This amino acid position is conserved. In addition, this alteration is predicted to be tolerated by in silico analysis. Since supporting evidence is limited at this time, the clinical significance of this alteration remains unclear.

NM_199420.4(POLQ):c.2468G>A (p.Arg823Lys)

Gene: POLQ (DNA polymerase theta; minus strand). Cytogenetic location: 3q13.33.
Variant type: single nucleotide variant.
Coding change: c.2468G>A on transcript NM_199420.4 (MANE Select); coding-DNA position 2468, G replaced by A.
Protein change: p.Arg823Lys; replaces arginine 823 with lysine.
Molecular consequence: missense variant.
Genome position (GRCh38, 1-based): chr3:121,493,532, C>T on the plus strand (G>A on the coding strand, the complement: POLQ is on the minus strand). VCF-style: chr3-121493532-C-T. GRCh37 (hg19) VCF-style: chr3-121212379-C-T.
Other names: short protein forms R823K.
Identifiers: ClinVar variation 1791719 (VCV001791719.2), dbSNP rs2048088620, ClinGen allele CA354107469.